The following is an entry in ClinVar:

NC_000023.10:g.(?_32305626)_(32867957_?)del

Gene: DMD (dystrophin; minus strand). Cytogenetic location: Xp21.1.
Variant type: Deletion.
Identifiers: ClinVar variation 1453272 (VCV001453272.4).

ClinVar aggregate classification (germline): Pathogenic (1 of 4 stars; one submission).

Conditions:
Duchenne muscular dystrophy (DMD). Also called: Duchenne Muscular Dystrophy (DMD); MUSCULAR DYSTROPHY, PSEUDOHYPERTROPHIC PROGRESSIVE, DUCHENNE TYPE. Identifiers: Orphanet 98896, MedGen C0013264, MONDO:0010679, OMIM 310200.

Submission:

Labcorp Genetics (formerly Invitae), Labcorp
Classification: Pathogenic for Duchenne muscular dystrophy. Last evaluated: 2024-01-20. Review status: criteria provided, single submitter. Criteria: Invitae Variant Classification Sherloc (09022015). Collection method: clinical testing. Allele origin: germline.
Comment: This variant is a gross deletion of the genomic region encompassing exon(s) 3-43 of the DMD gene. This deletion is out-of-frame, and is expected to create a premature termination codon and result in an absent or disrupted protein product. Loss-of-function variants in DMD are known to be pathogenic (PMID: 16770791, 25007885). A similar copy number variant has been observed in individuals with DMD-related conditions (PMID: 16030524; Invitae). For these reasons, this variant has been classified as Pathogenic.

Literature cited by the submitters: PubMed 16770791; PubMed 25007885; PubMed 16030524.